The following is an entry in ClinVar:

NM_001378452.1(ITPR1):c.279+1G>A

Gene: ITPR1 (inositol 1,4,5-trisphosphate receptor type 1; plus strand). Cytogenetic location: 3p26.1.
Variant type: single nucleotide variant.
Coding change: c.279+1G>A on transcript NM_001378452.1 (MANE Select); the canonical splice donor site of the intron after coding-DNA position 279, G replaced by A.
Molecular consequence: splice donor variant.
Genome position (GRCh38, 1-based): chr3:4,627,879, G>A. VCF-style: chr3-4627879-G-A. GRCh37 (hg19) VCF-style: chr3-4669563-G-A.
Other names: c.279+1G>A (NM_001099952.4, NM_001168272.2, NM_002222.7).
Identifiers: ClinVar variation 5006621 (VCV005006621.2).

ClinVar aggregate classification (germline): Likely pathogenic (1 of 4 stars; one submission).

Conditions:
Spinocerebellar ataxia type 15/16 (SCA15). Also called: Spinocerebellar Ataxia Type 15. Identifiers: Orphanet 98769, MedGen C1847725, MONDO:0011694, OMIM 606658.
Spinocerebellar ataxia type 29 (SCA29). Also called: Spinocerebellar ataxia 29, congenital nonprogressive; CEREBELLAR ATAXIA, CONGENITAL NONPROGRESSIVE, AUTOSOMAL DOMINANT. Identifiers: Orphanet 208513, MedGen C1861732, MONDO:0007298, OMIM 117360.
Gillespie syndrome (GLSP). Also called: Aniridia, cerebellar ataxia, and mental deficiency; Aniridia-cerebellar ataxia-intellectual disability syndrome. Identifiers: Orphanet 1065, MedGen C0431401, MONDO:0008795, OMIM 206700.

gnomAD v4.1: 1 of 1,597,286 alleles (0.000063%); highest among the groups gnomAD compares: South Asian, 0.0011%; no homozygotes.

Submission:

Juno Genomics, Hangzhou Juno Genomics, Inc
Classification: Likely pathogenic for Gillespie syndrome; Spinocerebellar ataxia type 15/16; Spinocerebellar ataxia type 29. Review status: criteria provided, single submitter. Criteria: ACMG Guidelines, 2015. Collection method: clinical testing. Allele origin: germline.
Comment: Null variant in a gene where loss of function (LOF) is a known mechanism of disease.;Absent from controls (or at extremely low frequency if recessive) in Genome Aggregation Database.